The following is an entry in ClinVar:

ClinVar aggregate classification (germline): Uncertain significance (1 of 4 stars; one submission).

Submission:

GeneDx
Classification: Uncertain significance. Last evaluated: 2026-04-18. Review status: criteria provided, single submitter. Criteria: GeneDx Variant Classification Process June 2021. Collection method: clinical testing. Allele origin: germline.
Comment: Not observed at significant frequency in large population cohorts (gnomAD); In silico analysis supports that this missense variant has a deleterious effect on protein structure/function; Has not been previously published as pathogenic or benign to our knowledge

NM_001374828.1(ARID1B):c.4382G>C (p.Arg1461Thr)

Gene: ARID1B (AT-rich interaction domain 1B; plus strand). Cytogenetic location: 6q25.3.
Variant type: single nucleotide variant.
Coding change: c.4382G>C on transcript NM_001374828.1 (MANE Select); coding-DNA position 4382, G replaced by C.
Protein change: p.Arg1461Thr; replaces arginine 1461 with threonine.
Molecular consequence: missense variant.
Genome position (GRCh38, 1-based): chr6:157,196,315, G>C. VCF-style: chr6-157196315-G-C. GRCh37 (hg19) VCF-style: chr6-157517449-G-C.
Other names: c.1883G>C, p.Arg628Thr (NM_001363725.2); c.4262G>C, p.Arg1421Thr (NM_001371656.1, NM_001374820.1); c.4511G>C, p.Arg1504Thr (NM_001438482.1); c.4424G>C, p.Arg1475Thr (NM_001438483.1); c.4292G>C, p.Arg1431Thr (NM_001438485.1); c.4265G>C, p.Arg1422Thr (NM_001438486.1); c.4202G>C, p.Arg1401Thr (NM_001438487.1); c.1724G>C, p.Arg575Thr (NM_001438488.1); and 1 more; short protein forms R1401T, R1408T, R1421T, R1422T, R1431T, R1461T, R1475T, R1504T.
Identifiers: ClinVar variation 5037290 (VCV005037290.1).